The following is an entry in ClinVar:

NM_000052.7(ATP7A):c.2499-3C>T

Gene: ATP7A (ATPase copper transporting alpha; plus strand). Cytogenetic location: Xq21.1.
Variant type: single nucleotide variant.
Coding change: c.2499-3C>T on transcript NM_000052.7 (MANE Select); 3 bases into the intron before coding-DNA position 2499, C replaced by T.
Molecular consequence: intron variant.
Genome position (GRCh38, 1-based): chrX:78,015,751, C>T. VCF-style: chrX-78015751-C-T. GRCh37 (hg19) VCF-style: chrX-77271248-C-T.
Other names: c.2265-3C>T (NM_001282224.2).
Identifiers: ClinVar variation 1042463 (VCV001042463.7), dbSNP rs2077858280, ClinGen allele CA2439101930.

ClinVar aggregate classification (germline): Uncertain significance (1 of 4 stars; one submission).

Conditions:
Menkes kinky-hair syndrome (MNK). Also called: Copper transport disease; Classic Menkes Disease; Menkes Disease. Identifiers: Orphanet 565, MedGen C0022716, MONDO:0010651, OMIM 309400.
Cutis laxa, X-linked (OHS). Also called: EDS IX; Occipital horn syndrome. Identifiers: Orphanet 198, MedGen C0268353, MONDO:0010572, OMIM 304150.
X-linked distal spinal muscular atrophy type 3. Also called: SPINAL MUSCULAR ATROPHY, DISTAL, X-LINKED RECESSIVE; ATP7A-Related Distal Motor Neuropathy; NEURONOPATHY, DISTAL HEREDITARY MOTOR, X-LINKED; NEUROPATHY, DISTAL HEREDITARY MOTOR, X-LINKED. Identifiers: Orphanet 139557, MedGen C1845359, MONDO:0010338, OMIM 300489.

Submission:

Labcorp Genetics (formerly Invitae), Labcorp
Classification: Uncertain significance for X-linked distal spinal muscular atrophy type 3; Cutis laxa, X-linked; Menkes kinky-hair syndrome. Last evaluated: 2020-07-20. Review status: criteria provided, single submitter. Criteria: Invitae Variant Classification Sherloc (09022015). Collection method: clinical testing. Allele origin: germline.
Comment: In summary, the available evidence is currently insufficient to determine the role of this variant in disease. Therefore, it has been classified as a Variant of Uncertain Significance. Nucleotide substitutions within the consensus splice site are a relatively common cause of aberrant splicing (PMID: 17576681, 9536098). Algorithms developed to predict the effect of sequence changes on RNA splicing suggest that this variant is not likely to affect RNA splicing, but this prediction has not been confirmed by published transcriptional studies. This variant has not been reported in the literature in individuals with ATP7A-related conditions. This variant is not present in population databases (ExAC no frequency). This sequence change falls in intron 11 of the ATP7A gene. It does not directly change the encoded amino acid sequence of the ATP7A protein, but it affects a nucleotide within the consensus splice site of the intron.

Literature cited by the submitters: PubMed 17576681; PubMed 9536098.